The following is an entry in ClinVar:

ClinVar aggregate classification (germline): Conflicting classifications of pathogenicity. Review status: criteria provided, conflicting classifications (1 of 4 stars). 2 submissions from 2 submitters: Uncertain significance (1); Likely benign (1). Last evaluated 2025-05-15.

Conditions:
Inborn genetic diseases. Identifiers: MedGen C0950123, MeSH D030342.
Chédiak-Higashi syndrome (CHS). Also called: Chediak-Higashi Syndrome. Identifiers: Orphanet 167, MedGen C0007965, MONDO:0008963, OMIM 214500.

Allele frequency attached by ClinVar (database versions not stated): gnomAD exomes 0.00001; ExAC 0.00004; gnomAD 0.00004; TOPMed 0.00004; 1000 Genomes Project 30x 0.00031; 1000 Genomes Project 0.00040.
gnomAD v4.1: 15 of 1,614,128 alleles (0.00093%); highest among the groups gnomAD compares: East Asian, 0.033%; no homozygotes.

Submissions (2):

Ambry Genetics
Classification: Likely benign for Inborn genetic diseases. Last evaluated: 2025-05-15. Review status: criteria provided, single submitter. Criteria: Ambry Variant Classification Scheme 2023. Collection method: clinical testing. Allele origin: germline.

Labcorp Genetics (formerly Invitae), Labcorp
Classification: Uncertain significance for Chédiak-Higashi syndrome. Last evaluated: 2022-06-20. Review status: criteria provided, single submitter. Criteria: Invitae Variant Classification Sherloc (09022015). Collection method: clinical testing. Allele origin: germline.
Comment: This sequence change replaces cysteine, which is neutral and slightly polar, with arginine, which is basic and polar, at codon 414 of the LYST protein (p.Cys414Arg). This variant is present in population databases (rs200557017, gnomAD 0.05%). This variant has not been reported in the literature in individuals affected with LYST-related conditions. Algorithms developed to predict the effect of missense changes on protein structure and function are either unavailable or do not agree on the potential impact of this missense change (SIFT: "Tolerated"; PolyPhen-2: "Possibly Damaging"; Align-GVGD: "Class C0"). In summary, the available evidence is currently insufficient to determine the role of this variant in disease. Therefore, it has been classified as a Variant of Uncertain Significance.

NM_000081.4(LYST):c.1240T>C (p.Cys414Arg)

Gene: LYST (lysosomal trafficking regulator; minus strand). Cytogenetic location: 1q42.3.
Variant type: single nucleotide variant.
Coding change: c.1240T>C on transcript NM_000081.4 (MANE Select); coding-DNA position 1240, T replaced by C.
Protein change: p.Cys414Arg; replaces cysteine 414 with arginine.
Molecular consequence: missense variant.
Genome position (GRCh38, 1-based): chr1:235,809,578, A>G on the plus strand (T>C on the coding strand, the complement: LYST is on the minus strand). VCF-style: chr1-235809578-A-G. GRCh37 (hg19) VCF-style: chr1-235972878-A-G.
Other names: c.1240T>C (NM_000081.2); c.1240T>C, p.Cys414Arg (NM_001301365.1); short protein forms C414R.
Identifiers: ClinVar variation 2149867 (VCV002149867.2), dbSNP rs200557017, ClinGen allele CA1467492.